The following is an entry in ClinVar:

ClinVar aggregate classification (germline): Uncertain significance (1 of 4 stars; one submission).

Conditions:
Multiple congenital exostosis (EXT). Also called: Hereditary multiple exostoses; Hereditary multiple exostosis; Multiple osteochondromas; Hereditary multiple osteochondromas; Multiple exostoses; MULTIPLE CARTILAGINOUS EXOSTOSES. Identifiers: Orphanet 321, MedGen C0015306, MONDO:0005508, HP:0002762.

Allele frequency attached by ClinVar (database versions not stated): gnomAD exomes below 0.00001.
gnomAD v4.1: 1 of 1,613,076 alleles (0.000062%); highest among the groups gnomAD compares: South Asian, 0.0011%; no homozygotes.

Submission:

Labcorp Genetics (formerly Invitae), Labcorp
Classification: Uncertain significance for Multiple congenital exostosis. Last evaluated: 2022-06-07. Review status: criteria provided, single submitter. Criteria: Invitae Variant Classification Sherloc (09022015). Collection method: clinical testing. Allele origin: germline.
Comment: This variant is present in population databases (no rsID available, gnomAD 0.003%). This sequence change falls in intron 2 of the EXT1 gene. It does not directly change the encoded amino acid sequence of the EXT1 protein. It affects a nucleotide within the consensus splice site. This variant has not been reported in the literature in individuals affected with EXT1-related conditions. Variants that disrupt the consensus splice site are a relatively common cause of aberrant splicing (PMID: 17576681, 9536098). Algorithms developed to predict the effect of sequence changes on RNA splicing suggest that this variant is not likely to affect RNA splicing. In summary, the available evidence is currently insufficient to determine the role of this variant in disease. Therefore, it has been classified as a Variant of Uncertain Significance.

Literature cited by the submitters: PubMed 17576681; PubMed 9536098.

NM_000127.3(EXT1):c.1056+4A>G

Gene: EXT1 (exostosin glycosyltransferase 1; minus strand). Cytogenetic location: 8q24.11.
Variant type: single nucleotide variant.
Coding change: c.1056+4A>G on transcript NM_000127.3 (MANE Select); 4 bases into the intron after coding-DNA position 1056, A replaced by G.
Molecular consequence: intron variant.
Genome position (GRCh38, 1-based): chr8:117,837,104, T>C on the plus strand (A>G on the coding strand, the complement: EXT1 is on the minus strand). VCF-style: chr8-117837104-T-C. GRCh37 (hg19) VCF-style: chr8-118849343-T-C.
Identifiers: ClinVar variation 2002724 (VCV002002724.4), dbSNP rs1264878402, ClinGen allele CA584341395.